The following is an entry in ClinVar:

NM_016156.6(MTMR2):c.370_372del (p.Val124del)

Gene: MTMR2 (myotubularin related protein 2; minus strand). Cytogenetic location: 11q21.
Variant type: Deletion.
Coding change: c.370_372del on transcript NM_016156.6 (MANE Select); coding-DNA positions 370 to 372, 3 bases deleted (GTT; older notation c.370_372delGTT).
Protein change: p.Val124del; deletes valine 124.
Molecular consequence: inframe deletion.
Genome position (GRCh38, 1-based): chr11:95,862,088-95,862,090, AAC deleted on the plus strand (GTT on the coding strand, the reverse complement: MTMR2 is on the minus strand); deleting any 3 consecutive bases within chr11:95,862,088-95,862,092 gives the same sequence; the c. name uses the placement nearest the transcript's 3' end. VCF-style (leftmost placement, unchanged base first): chr11-95862087-AAAC-A. GRCh37 (hg19) VCF-style: chr11-95595251-AAAC-A.
Other names: c.154_156del, p.Val52del (NM_001243571.2, NM_201278.3, NM_201281.3); short protein forms V124del, V52del.
Identifiers: ClinVar variation 1347794 (VCV001347794.6), dbSNP rs2135475047, ClinGen allele CA2573147856.

ClinVar aggregate classification (germline): Uncertain significance (1 of 4 stars; one submission).

Conditions:
Charcot-Marie-Tooth disease type 4. Also called: Charcot-Marie-Tooth, Type 4; Charcot-Marie-Tooth disease, type IV. Identifiers: Orphanet 64749, MedGen C4082197, MONDO:0018995.

Submission:

Labcorp Genetics (formerly Invitae), Labcorp
Classification: Uncertain significance for Charcot-Marie-Tooth disease type 4. Last evaluated: 2021-10-26. Review status: criteria provided, single submitter. Criteria: Invitae Variant Classification Sherloc (09022015). Collection method: clinical testing. Allele origin: germline.
Comment: In summary, the available evidence is currently insufficient to determine the role of this variant in disease. Therefore, it has been classified as a Variant of Uncertain Significance. Experimental studies and prediction algorithms are not available or were not evaluated, and the functional significance of this variant is currently unknown. This variant has not been reported in the literature in individuals affected with MTMR2-related conditions. This variant is not present in population databases (gnomAD no frequency). This variant, c.370_372del, results in the deletion of 1 amino acid(s) of the MTMR2 protein (p.Val124del), but otherwise preserves the integrity of the reading frame.